The following is an entry in ClinVar:

NM_001365951.3(KIF1B):c.2206G>A (p.Glu736Lys)

Gene: KIF1B (kinesin family member 1B; plus strand). Cytogenetic location: 1p36.22.
Variant type: single nucleotide variant.
Coding change: c.2206G>A on transcript NM_001365951.3 (MANE Select); coding-DNA position 2206, G replaced by A.
Protein change: p.Glu736Lys; replaces glutamic acid 736 with lysine.
Molecular consequence: missense variant.
Genome position (GRCh38, 1-based): chr1:10,320,133, G>A. VCF-style: chr1-10320133-G-A. GRCh37 (hg19) VCF-style: chr1-10380191-G-A.
Other names: c.2206G>A, p.Glu736Lys (NM_001365952.1); c.2068G>A, p.Glu690Lys (NM_015074.3); short protein forms E690K, E736K.
Identifiers: ClinVar variation 4043166 (VCV004043166.1).
Genomic context (GRCh38, chr1:10,320,133, plus strand): 5'-AAGCAGGTTGAAACCCGATCTCTGGCTGCAGAAACAACTGAAGAGGAGGAAGAAGAGGAA[G>A]AAGGTGAAATCTAGAGACCGAAAGTTTCCTGTGTATATCTTTTTGAAGTTATATTATCAA-3'
Protein context (NP_001352880.1, residues 726-746): ETTEEEEEEE[Glu736Lys]VPWTQHEFEL

ClinVar aggregate classification (germline): Uncertain significance (1 of 4 stars; one submission).

Submission:

Ambry Genetics
Classification: Uncertain significance. Last evaluated: 2025-06-06. Review status: criteria provided, single submitter. Criteria: Ambry Variant Classification Scheme 2023. Collection method: clinical testing. Allele origin: germline.
Comment: The p.E690K variant (also known as c.2068G>A), located in coding exon 20 of the KIF1B gene, results from a G to A substitution at nucleotide position 2068. The glutamic acid at codon 690 is replaced by lysine, an amino acid with similar properties. This amino acid position is conserved. In addition, the in silico prediction for this alteration is inconclusive. Based on the available evidence, the clinical significance of this variant remains unclear.